The following is an entry in ClinVar:

ClinVar aggregate classification (germline): Uncertain significance (1 of 4 stars; one submission).

Allele frequency attached by ClinVar (database versions not stated): gnomAD exomes below 0.00001 and 0.00002; TOPMed below 0.00001; ExAC 0.00001; gnomAD 0.00001.
gnomAD v4.1: 10 of 1,613,778 alleles (0.00062%); highest among the groups gnomAD compares: East Asian, 0.0067%; no homozygotes.

Submission:

Labcorp Genetics (formerly Invitae), Labcorp
Classification: Uncertain significance. Last evaluated: 2022-08-09. Review status: criteria provided, single submitter. Criteria: Invitae Variant Classification Sherloc (09022015). Collection method: clinical testing. Allele origin: germline.
Comment: In summary, the available evidence is currently insufficient to determine the role of this variant in disease. Therefore, it has been classified as a Variant of Uncertain Significance. Algorithms developed to predict the effect of missense changes on protein structure and function output the following: SIFT: "Tolerated"; PolyPhen-2: "Probably Damaging"; Align-GVGD: "Class C0". The serine amino acid residue is found in multiple mammalian species, which suggests that this missense change does not adversely affect protein function. ClinVar contains an entry for this variant (Variation ID: 842291). This missense change has been observed in individual(s) with clinical features of retinitis pigmentosa (PMID: 31054281). This variant is present in population databases (rs748324530, gnomAD 0.01%). This sequence change replaces glycine, which is neutral and non-polar, with serine, which is neutral and polar, at codon 3963 of the ADGRV1 protein (p.Gly3963Ser).

Literature cited by the submitters: PubMed 31054281.

NM_032119.4(ADGRV1):c.11887G>A (p.Gly3963Ser)

Gene: ADGRV1 (adhesion G protein-coupled receptor V1; plus strand). Cytogenetic location: 5q14.3.
Variant type: single nucleotide variant.
Coding change: c.11887G>A on transcript NM_032119.4 (MANE Select); coding-DNA position 11887, G replaced by A.
Protein change: p.Gly3963Ser; replaces glycine 3963 with serine.
Molecular consequence: missense variant. On other transcripts: non-coding transcript variant (1).
Genome position (GRCh38, 1-based): chr5:90,757,108, G>A. VCF-style: chr5-90757108-G-A. GRCh37 (hg19) VCF-style: chr5-90052925-G-A.
Other names: short protein forms G3963S.
Identifiers: ClinVar variation 842291 (VCV000842291.9), dbSNP rs748324530, ClinGen allele CA3341069.
Genomic context (GRCh38, chr5:90,757,108, plus strand): 5'-CGGCTGGCTGGAAGCTTTGGGGCAGTAAATGTTTATTGGAAAGCATCACCAGACAGTGCT[G>A]GCCTGGAAGACTTTAAACCATCTCATGGGATTCTTGAATTTGCAGATAAACAGGTATGCC-3'
Protein context (NP_115495.3, residues 3953-3973): VYWKASPDSA[Gly3963Ser]LEDFKPSHGI